The following is an entry in ClinVar:

NC_000001.11:g.(?_32775971)_(32797853_?)dup

Gene: YARS1 (tyrosyl-tRNA synthetase 1; minus strand). Cytogenetic location: 1p35.1.
Variant type: Duplication.
Identifiers: ClinVar variation 830933 (VCV000830933.6).

ClinVar aggregate classification (germline): Uncertain significance (1 of 4 stars; one submission).

Conditions:
Charcot-Marie-Tooth disease dominant intermediate C (CMTDIC). Also called: CHARCOT-MARIE-TOOTH NEUROPATHY, DOMINANT INTERMEDIATE C. Identifiers: Orphanet 100045, MedGen C1842237, MONDO:0012012, OMIM 608323.

Submission:

Labcorp Genetics (formerly Invitae), Labcorp
Classification: Uncertain significance for Charcot-Marie-Tooth disease dominant intermediate C. Last evaluated: 2019-08-23. Review status: criteria provided, single submitter. Criteria: Invitae Variant Classification Sherloc (09022015). Collection method: clinical testing. Allele origin: germline.
Comment: In summary, the available evidence is currently insufficient to determine the role of this variant in disease. Therefore, it has been classified as a Variant of Uncertain Significance. This variant has not been reported in the literature in individuals with YARS-related conditions. This variant results in a copy number gain of the genomic region encompassing exons 5-13 of the YARS gene. The 5' boundary is likely confined to intron 4. The 3' end of this event is unknown as it extends beyond the assayed region for this gene and therefore may encompass additional genes. As the precise location of this event is unknown, it may be in tandem or it may be located elsewhere in the genome.